The following is an entry in ClinVar:

ClinVar aggregate classification (germline): Uncertain significance (1 of 4 stars; one submission).

Conditions:
Neuropathy, hereditary sensory, type 2C. Also called: KIF1A-Related HSAN2 (HSAN2C); Hereditary sensory and autonomic neuropathy type IIC. Identifiers: Orphanet 970, MedGen C3280168, MONDO:0013634, OMIM 614213.
Hereditary spastic paraplegia 30. Identifiers: Orphanet 101010, MedGen C5235139, MONDO:0012476.
Intellectual disability, autosomal dominant 9 (NESCAVS). Also called: NESCAV SYNDROME; KIF1A-Related Neurodevelopmental Disorder. Identifiers: Orphanet 662367, MedGen C5393830, MONDO:0013656, OMIM 614255.

Submission:

Labcorp Genetics (formerly Invitae), Labcorp
Classification: Uncertain significance for Hereditary spastic paraplegia 30; Neuropathy, hereditary sensory, type 2C; Intellectual disability, autosomal dominant 9. Last evaluated: 2023-01-20. Review status: criteria provided, single submitter. Criteria: Invitae Variant Classification Sherloc (09022015). Collection method: clinical testing. Allele origin: germline.
Comment: In summary, the available evidence is currently insufficient to determine the role of this variant in disease. Therefore, it has been classified as a Variant of Uncertain Significance. Advanced modeling of protein sequence and biophysical properties (such as structural, functional, and spatial information, amino acid conservation, physicochemical variation, residue mobility, and thermodynamic stability) has been performed at Invitae for this missense variant, however the output from this modeling did not meet the statistical confidence thresholds required to predict the impact of this variant on KIF1A protein function. This variant has not been reported in the literature in individuals affected with KIF1A-related conditions. This variant is not present in population databases (gnomAD no frequency). This sequence change replaces lysine, which is basic and polar, with glutamic acid, which is acidic and polar, at codon 734 of the KIF1A protein (p.Lys734Glu).

NM_001244008.2(KIF1A):c.2227A>G (p.Lys743Glu)

Gene: KIF1A (kinesin family member 1A; minus strand). Cytogenetic location: 2q37.3.
Variant type: single nucleotide variant.
Coding change: c.2227A>G on transcript NM_001244008.2 (MANE Select); coding-DNA position 2227, A replaced by G.
Protein change: p.Lys743Glu; replaces lysine 743 with glutamic acid.
Molecular consequence: missense variant.
Genome position (GRCh38, 1-based): chr2:240,761,267, T>C on the plus strand (A>G on the coding strand, the complement: KIF1A is on the minus strand). VCF-style: chr2-240761267-T-C. GRCh37 (hg19) VCF-style: chr2-241700684-T-C.
Other names: c.2227A>G, p.Lys743Glu (NM_001320705.2, NM_001330289.2, NM_001379638.1); c.2302A>G, p.Lys768Glu (NM_001330290.2, NM_001379631.1, NM_001379634.1 and 2 more transcripts); c.2200A>G, p.Lys734Glu (NM_001379632.1, NM_001379633.1, NM_001379636.1 and 11 more transcripts); c.2275A>G, p.Lys759Glu (NM_001379637.1, NM_001379648.1); short protein forms K734E, K759E, K743E, K768E.
Identifiers: ClinVar variation 2943463 (VCV002943463.3), dbSNP rs2537618299, ClinGen allele CA351325393.